The following is an entry in ClinVar:

ClinVar aggregate classification (germline): Uncertain significance (1 of 4 stars; one submission).

Conditions:
Developmental and epileptic encephalopathy, 37 (DEE37). Also called: Epileptic encephalopathy, early infantile, 37. Identifiers: MedGen C4310770, MONDO:0014859, OMIM 616981.

Allele frequency attached by ClinVar (database versions not stated): ExAC 0.00001; gnomAD exomes 0.00001; TOPMed 0.00004.
gnomAD v4.1: 18 of 1,611,346 alleles (0.0011%); highest among the groups gnomAD compares: Middle Eastern, 0.016%; no homozygotes.

Submission:

Labcorp Genetics (formerly Invitae), Labcorp
Classification: Uncertain significance for Developmental and epileptic encephalopathy, 37. Last evaluated: 2021-08-27. Review status: criteria provided, single submitter. Criteria: Invitae Variant Classification Sherloc (09022015). Collection method: clinical testing. Allele origin: germline.
Comment: This sequence change replaces arginine with cysteine at codon 303 of the FRRS1L protein (p.Arg303Cys). The arginine residue is moderately conserved and there is a large physicochemical difference between arginine and cysteine. This variant is present in population databases (rs779958643, ExAC 0.002%). This variant has not been reported in the literature in individuals affected with FRRS1L-related conditions. Algorithms developed to predict the effect of missense changes on protein structure and function are either unavailable or do not agree on the potential impact of this missense change (SIFT: "Deleterious"; PolyPhen-2: "Possibly Damaging"; Align-GVGD: "Class C0"). Algorithms developed to predict the effect of sequence changes on RNA splicing suggest that this variant may create or strengthen a splice site. In summary, the available evidence is currently insufficient to determine the role of this variant in disease. Therefore, it has been classified as a Variant of Uncertain Significance.

NM_014334.4(FRRS1L):c.754C>T (p.Arg252Cys)

Gene: FRRS1L (ferric chelate reductase 1 like; minus strand). Cytogenetic location: 9q31.3.
Variant type: single nucleotide variant.
Coding change: c.754C>T on transcript NM_014334.4 (MANE Select); coding-DNA position 754, C replaced by T.
Protein change: p.Arg252Cys; replaces arginine 252 with cysteine.
Molecular consequence: missense variant.
Genome position (GRCh38, 1-based): chr9:109,137,583, G>A on the plus strand (C>T on the coding strand, the complement: FRRS1L is on the minus strand). VCF-style: chr9-109137583-G-A. GRCh37 (hg19) VCF-style: chr9-111899863-G-A.
Other names: short protein forms R252C.
Identifiers: ClinVar variation 1023679 (VCV001023679.6), dbSNP rs779958643, ClinGen allele CA5177320.
Genomic context (GRCh38, chr9:109,137,583, plus strand): 5'-AGGTTTGATAGGCAGCTGATGGCATAAAAATGTCTTCATACTTGTAAATACTGACAACAC[G>A]CTCTGAAGCCGGCGGTGAGTCTATATCATGTCGAGTGATAGAGCCTTTAAGAAAAAAAGA-3'
Protein context (NP_055149.3, residues 242-262): HDIDSPPASE[Arg252Cys]VVSIYKYEDI